The following is an entry in ClinVar:

NM_144585.4(SLC22A12):c.1285G>A (p.Glu429Lys)

Gene: SLC22A12 (solute carrier family 22 member 12; plus strand). Cytogenetic location: 11q13.1.
Variant type: single nucleotide variant.
Coding change: c.1285G>A on transcript NM_144585.4 (MANE Select); coding-DNA position 1285, G replaced by A.
Protein change: p.Glu429Lys; replaces glutamic acid 429 with lysine.
Molecular consequence: missense variant.
Genome position (GRCh38, 1-based): chr11:64,599,890, G>A. VCF-style: chr11-64599890-G-A. GRCh37 (hg19) VCF-style: chr11-64367362-G-A.
Other names: c.1183G>A, p.Glu395Lys (NM_001276326.2); c.961G>A, p.Glu321Lys (NM_001276327.2); c.622G>A, p.Glu208Lys (NM_153378.3); short protein forms E429K, E208K, E395K, E321K.
Identifiers: ClinVar variation 2070984 (VCV002070984.4), dbSNP rs139140123, ClinGen allele CA6077368.

ClinVar aggregate classification (germline): Uncertain significance (1 of 4 stars; one submission).

Allele frequency attached by ClinVar (database versions not stated): ESP Exome Variant Server 0.00008; TOPMed 0.00002; ExAC 0.00005; gnomAD 0.00003.

Submission:

Labcorp Genetics (formerly Invitae), Labcorp
Classification: Uncertain significance. Last evaluated: 2021-12-16. Review status: criteria provided, single submitter. Criteria: Invitae Variant Classification Sherloc (09022015). Collection method: clinical testing. Allele origin: germline.
Comment: In summary, the available evidence is currently insufficient to determine the role of this variant in disease. Therefore, it has been classified as a Variant of Uncertain Significance. Variants that disrupt the consensus splice site are a relatively common cause of aberrant splicing (PMID: 17576681, 9536098). Algorithms developed to predict the effect of sequence changes on RNA splicing suggest that this variant may disrupt the consensus splice site. Algorithms developed to predict the effect of missense changes on protein structure and function (SIFT, PolyPhen-2, Align-GVGD) all suggest that this variant is likely to be tolerated. This missense change has been observed in individual(s) with renal hypouricemia (PMID: 31591475). This variant is present in population databases (rs139140123, gnomAD 0.007%). This sequence change replaces glutamic acid, which is acidic and polar, with lysine, which is basic and polar, at codon 429 of the SLC22A12 protein (p.Glu429Lys). This variant also falls at the last nucleotide of exon 7, which is part of the consensus splice site for this exon.

Literature cited by the submitters: PubMed 17576681; PubMed 9536098; PubMed 31591475.